The following is an entry in ClinVar:

NM_014423.4(AFF4):c.3015C>T (p.Cys1005=)

Gene: AFF4 (ALF transcription elongation factor 4; minus strand). Cytogenetic location: 5q31.1.
Variant type: single nucleotide variant.
Coding change: c.3015C>T on transcript NM_014423.4 (MANE Select); coding-DNA position 3015, C replaced by T.
Protein change: p.Cys1005=; no amino-acid change (cysteine 1005 retained).
Molecular consequence: synonymous variant.
Genome position (GRCh38, 1-based): chr5:132,886,394, G>A on the plus strand (C>T on the coding strand, the complement: AFF4 is on the minus strand). VCF-style: chr5-132886394-G-A. GRCh37 (hg19) VCF-style: chr5-132222086-G-A.
Other names: c.3015C>T (NM_014423.3).
Identifiers: ClinVar variation 2907899 (VCV002907899.5), dbSNP rs752682575, ClinGen allele CA3408758.

ClinVar aggregate classification (germline): Likely benign. Review status: criteria provided, multiple submitters, no conflicts (2 of 4 stars). 2 submissions from 2 submitters: Likely benign (2). Last evaluated 2026-03-26.

Conditions:
AFF4-related disorder. Also called: AFF4-related condition.
Cognitive impairment - coarse facies - heart defects - obesity - pulmonary involvement - short stature - skeletal dysplasia syndrome. Also called: COGNITIVE IMPAIRMENT, COARSE FACIES, HEART DEFECTS, OBESITY, PULMONARY INVOLVEMENT, SHORT STATURE, AND SKELETAL DYSPLASIA; Chops syndrome; AFF4-Related CHOPS Syndrome. Identifiers: Orphanet 444077, MedGen C4085597, MONDO:0014609, OMIM 616368.

Allele frequency attached by ClinVar (database versions not stated): ExAC 0.00001; gnomAD 0.00001; gnomAD exomes 0.00001; TOPMed 0.00001.
gnomAD v4.1: 17 of 1,613,782 alleles (0.0011%); highest among the groups gnomAD compares: Admixed American, 0.0017%; no homozygotes.

Submissions (3):

PreventionGenetics, part of Exact Sciences
Classification: Likely benign for AFF4-related condition. Last evaluated: 2026-03-26. Review status: criteria provided, single submitter. Criteria: ACMG Guidelines, 2015. Collection method: clinical testing. Allele origin: germline.
Comment: This variant is classified as likely benign based on ACMG/AMP sequence variant interpretation guidelines (Richards et al. 2015 PMID: 25741868, with internal and published modifications).

Labcorp Genetics (formerly Invitae), Labcorp
Classification: Likely benign for Cognitive impairment - coarse facies - heart defects - obesity - pulmonary involvement - short stature - skeletal dysplasia syndrome. Last evaluated: 2025-04-11. Review status: criteria provided, single submitter. Criteria: Invitae Variant Classification Sherloc (09022015). Collection method: clinical testing. Allele origin: germline.

Dr. Peter K. Rogan Lab, Western University
No classification provided (evidence only). Condition: Colon adenocarcinoma. Review status: no classification provided. Collection method: in vitro. Allele origin: not applicable. Functional consequence: retained intron. Not counted in ClinVar's aggregate classification.